The following is an entry in ClinVar:

NM_182961.4(SYNE1):c.310-469C>T

Gene: SYNE1 (spectrin repeat containing nuclear envelope protein 1; minus strand). Cytogenetic location: 6q25.2.
Variant type: single nucleotide variant.
Coding change: c.310-469C>T on transcript NM_182961.4 (MANE Select); 469 bases into the intron before coding-DNA position 310, C replaced by T.
Molecular consequence: intron variant. On other transcripts: missense variant (1).
Genome position (GRCh38, 1-based): chr6:152,511,572, G>A on the plus strand (C>T on the coding strand, the complement: SYNE1 is on the minus strand). VCF-style: chr6-152511572-G-A. GRCh37 (hg19) VCF-style: chr6-152832707-G-A.
Other names: p.Pro110Leu; c.329C>T (NM_033071.3); c.329C>T, p.Pro110Leu (NM_033071.5); short protein forms P110L.
Identifiers: ClinVar variation 500673 (VCV000500673.11), dbSNP rs762351812, ClinGen allele CA4059785.
Genomic context (GRCh38, chr6:152,511,572, plus strand): 5'-CTTATGTTCCCTTTTACCTATAAAAATCAGGAGTTAAGAATTCTAAAATTTGTACTAACC[G>A]GTGATCCTCTGTGCATGGACTGACATGAAAAACAAAGGGAGAAGATAATAGATATACATA-3'

ClinVar aggregate classification (germline): Uncertain significance. Review status: criteria provided, multiple submitters, no conflicts (2 of 4 stars). 5 submissions from 5 submitters: Uncertain significance (5). Last evaluated 2025-12-18.

Conditions:
Emery-Dreifuss muscular dystrophy 4, autosomal dominant (EDMD4). Also called: EMERY-DREIFUSS MUSCULAR DYSTROPHY 4 WITH VARIABLE FEATURES. Identifiers: Orphanet 261, MedGen C2751807, MONDO:0013071, OMIM 612998.
Autosomal recessive ataxia, Beauce type. Also called: SYNE1 Deficiency; Spinocerebellar ataxia, autosomal recessive 8; ATAXIA, RECESSIVE, OF BEAUCE; SYNE1-Related Autosomal Recessive Cerebellar Ataxia. Identifiers: Orphanet 88644, MedGen C1853116, MONDO:0012549, OMIM 610743.

Allele frequency attached by ClinVar (database versions not stated): gnomAD 0.00001; gnomAD exomes 0.00002 and 0.00004; TOPMed 0.00002; ExAC 0.00006.
gnomAD v4.1: 25 of 1,612,310 alleles (0.0016%); highest among the groups gnomAD compares: South Asian, 0.0055%; no homozygotes.

Submissions (5):

Mayo Clinic Laboratories, Mayo Clinic
Classification: Uncertain significance. Last evaluated: 2025-12-18. Review status: criteria provided, single submitter. Criteria: ACMG Guidelines, 2015. Collection method: clinical testing. Allele origin: germline. Observed: 1 variant allele.

Labcorp Genetics (formerly Invitae), Labcorp
Classification: Uncertain significance for Emery-Dreifuss muscular dystrophy 4, autosomal dominant; Autosomal recessive ataxia, Beauce type. Last evaluated: 2022-04-20. Review status: criteria provided, single submitter. Criteria: Invitae Variant Classification Sherloc (09022015). Collection method: clinical testing. Allele origin: germline.
Comment: This sequence change replaces proline, which is neutral and non-polar, with leucine, which is neutral and non-polar, at codon 110 of the SYNE1 protein (p.Pro110Leu). This variant is present in population databases (rs762351812, gnomAD 0.01%). This variant has not been reported in the literature in individuals affected with SYNE1-related conditions. ClinVar contains an entry for this variant (Variation ID: 500673). Algorithms developed to predict the effect of missense changes on protein structure and function are either unavailable or do not agree on the potential impact of this missense change (SIFT: "Deleterious"; PolyPhen-2: "Possibly Damaging"; Align-GVGD: "Class C0"). In summary, the available evidence is currently insufficient to determine the role of this variant in disease. Therefore, it has been classified as a Variant of Uncertain Significance.

Athena Diagnostics
Classification: Uncertain significance. Last evaluated: 2021-03-15. Review status: criteria provided, single submitter. Criteria: Athena Diagnostics criteria. Collection method: clinical testing. Allele origin: unknown.

Revvity Omics, Revvity
Classification: Uncertain significance. Last evaluated: 2020-10-06. Review status: criteria provided, single submitter. Criteria: ACMG Guidelines, 2015. Collection method: clinical testing. Allele origin: germline.

Eurofins Ntd Llc (ga)
Classification: Uncertain significance. Last evaluated: 2017-03-08. Review status: criteria provided, single submitter. Criteria: EGL Classification Definitions 2015. Collection method: clinical testing. Allele origin: germline. Observed: 1 variant allele, 1 heterozygote.